The following is an entry in ClinVar:

NM_000051.4(ATM):c.1455T>G (p.Asn485Lys)

Gene: ATM (ATM serine/threonine kinase; plus strand). Cytogenetic location: 11q22.3.
Variant type: single nucleotide variant.
Coding change: c.1455T>G on transcript NM_000051.4 (MANE Select); coding-DNA position 1455, T replaced by G.
Protein change: p.Asn485Lys; replaces asparagine 485 with lysine.
Molecular consequence: missense variant.
Genome position (GRCh38, 1-based): chr11:108,250,920, T>G. VCF-style: chr11-108250920-T-G. GRCh37 (hg19) VCF-style: chr11-108121647-T-G.
Other names: c.1455T>G, p.Asn485Lys (NM_001351834.2); short protein forms N485K.
Identifiers: ClinVar variation 453369 (VCV000453369.9), dbSNP rs1385019623, ClinGen allele CA382534130.
Genomic context (GRCh38, chr11:108,250,920, plus strand): 5'-TCAAGACAAGAGGTCAAACCTAGAAAGCTCACAAAAGTCAGATTTATTAAAACTCTGGAA[T>G]AAAATTTGGTGTATTACCTTTCGTGGTATAAGTTCTGAGCAAATACAAGCTGAAAACTTT-3'
Protein context (NP_000042.3, residues 475-495): SQKSDLLKLW[Asn485Lys]KIWCITFRGI

ClinVar aggregate classification (germline): Uncertain significance. Review status: criteria provided, multiple submitters, no conflicts (2 of 4 stars). 2 submissions from 2 submitters: Uncertain significance (2). Last evaluated 2025-09-10.

Conditions:
Hereditary cancer-predisposing syndrome. Also called: Tumor predisposition; Hereditary Cancer Syndrome; Neoplastic Syndromes, Hereditary; Hereditary neoplastic syndrome. Identifiers: Orphanet 140162, MedGen C0027672, MeSH D009386, MONDO:0015356.
Ataxia-telangiectasia syndrome (AT). Also called: Cerebello-oculocutaneous telangiectasia; Immunodeficiency with ataxia telangiectasia; Ataxia-telangiectasia, complementation group D; AT, COMPLEMENTATION GROUP C; Ataxia-telangiectasia, complementation group E; LOUIS-BAR SYNDROME. Identifiers: Orphanet 100, MedGen C0004135, MONDO:0008840, OMIM 208900.

Submissions (2):

Labcorp Genetics (formerly Invitae), Labcorp
Classification: Uncertain significance for Ataxia-telangiectasia syndrome. Last evaluated: 2025-09-10. Review status: criteria provided, single submitter. Criteria: Invitae Variant Classification Sherloc (09022015). Collection method: clinical testing. Allele origin: germline.
Comment: This sequence change replaces asparagine, which is neutral and polar, with lysine, which is basic and polar, at codon 485 of the ATM protein (p.Asn485Lys). This variant is not present in population databases (gnomAD no frequency). This variant has not been reported in the literature in individuals affected with ATM-related conditions. ClinVar contains an entry for this variant (Variation ID: 453369). Invitae Evidence Modeling of protein sequence and biophysical properties (such as structural, functional, and spatial information, amino acid conservation, physicochemical variation, residue mobility, and thermodynamic stability) indicates that this missense variant is not expected to disrupt ATM protein function with a negative predictive value of 95%. In summary, the available evidence is currently insufficient to determine the role of this variant in disease. Therefore, it has been classified as a Variant of Uncertain Significance.

Ambry Genetics
Classification: Uncertain significance for Hereditary cancer-predisposing syndrome. Last evaluated: 2020-03-18. Review status: criteria provided, single submitter. Criteria: Ambry Variant Classification Scheme 2023. Collection method: clinical testing. Allele origin: germline.
Comment: The p.N485K variant (also known as c.1455T>G), located in coding exon 9 of the ATM gene, results from a T to G substitution at nucleotide position 1455. The asparagine at codon 485 is replaced by lysine, an amino acid with similar properties. This amino acid position is poorly conserved in available vertebrate species. In addition, this alteration is predicted to be tolerated by in silico analysis. Since supporting evidence is limited at this time, the clinical significance of this alteration remains unclear.